The following is an entry in ClinVar:

ClinVar aggregate classification (germline): Uncertain significance (1 of 4 stars; one submission).

Conditions:
Pierson syndrome. Also called: MICROCORIA-CONGENITAL NEPHROTIC SYNDROME. Identifiers: Orphanet 2670, MedGen C1836876, MONDO:0012184, OMIM 609049.
LAMB2-related infantile-onset nephrotic syndrome. Also called: Nephrotic Syndrome, type 5; NEPHROTIC SYNDROME, TYPE 5, WITHOUT OCULAR ABNORMALITIES; NEPHROTIC SYNDROME, TYPE 5, WITH OCULAR ABNORMALITIES. Identifiers: Orphanet 306507, MedGen C3280113, MONDO:0013621, OMIM 614199.

gnomAD v4.1: 12 of 1,614,212 alleles (0.00074%); highest among the groups gnomAD compares: Admixed American, 0.0033%; no homozygotes.

Submission:

Labcorp Genetics (formerly Invitae), Labcorp
Classification: Uncertain significance for LAMB2-related infantile-onset nephrotic syndrome; Pierson syndrome. Last evaluated: 2025-09-10. Review status: criteria provided, single submitter. Criteria: Invitae Variant Classification Sherloc (09022015). Collection method: clinical testing. Allele origin: germline.
Comment: This sequence change replaces arginine, which is basic and polar, with glutamine, which is neutral and polar, at codon 94 of the LAMB2 protein (p.Arg94Gln). This variant is present in population databases (rs767544919, gnomAD 0.006%). This variant has not been reported in the literature in individuals affected with LAMB2-related conditions. An algorithm developed to predict the effect of missense changes on protein structure and function (PolyPhen-2) suggests that this variant is likely to be tolerated. In summary, the available evidence is currently insufficient to determine the role of this variant in disease. Therefore, it has been classified as a Variant of Uncertain Significance.

NM_002292.4(LAMB2):c.281G>A (p.Arg94Gln)

Gene: LAMB2 (laminin subunit beta 2; minus strand). Cytogenetic location: 3p21.31.
Variant type: single nucleotide variant.
Coding change: c.281G>A on transcript NM_002292.4 (MANE Select); coding-DNA position 281, G replaced by A.
Protein change: p.Arg94Gln; replaces arginine 94 with glutamine.
Molecular consequence: missense variant.
Genome position (GRCh38, 1-based): chr3:49,132,374, C>T on the plus strand (G>A on the coding strand, the complement: LAMB2 is on the minus strand). VCF-style: chr3-49132374-C-T. GRCh37 (hg19) VCF-style: chr3-49169807-C-T.
Other names: short protein forms R94Q.
Identifiers: ClinVar variation 4794266 (VCV004794266.1).